The following is an entry in ClinVar:

NM_015599.3(PGM3):c.169A>G (p.Ile57Val)

Gene: PGM3 (phosphoglucomutase 3; minus strand). Cytogenetic location: 6q14.1.
Variant type: single nucleotide variant.
Coding change: c.169A>G on transcript NM_015599.3 (MANE Select); coding-DNA position 169, A replaced by G.
Protein change: p.Ile57Val; replaces isoleucine 57 with valine.
Molecular consequence: missense variant. On other transcripts: non-coding transcript variant (1), intron variant (1).
Genome position (GRCh38, 1-based): chr6:83,190,844, T>C on the plus strand (A>G on the coding strand, the complement: PGM3 is on the minus strand). VCF-style: chr6-83190844-T-C. GRCh37 (hg19) VCF-style: chr6-83900563-T-C.
Other names: c.253A>G (NM_001199917.1); c.253A>G, p.Ile85Val (NM_001199917.2, NM_001367287.1); c.169A>G, p.Ile57Val (NM_001199919.2, NM_001367286.1); c.-39-2046A>G (NM_001199918.2); short protein forms I57V, I85V.
Identifiers: ClinVar variation 1002783 (VCV001002783.9), dbSNP rs778562800, ClinGen allele CA3906880.
Genomic context (GRCh38, chr6:83,190,844, plus strand): 5'-TTTATCAGGGCACTAAACCCATTACCTCAGGATTGTGGGACGCTGTTACCATGACTCCTA[T>C]AGTGGATTTTGTCTGTTTTGACCTCAGGACAGCTAATAATCCCATGCGAAACATGACATG-3'
Protein context (NP_056414.1, residues 47-67): VLRSKQTKST[Ile57Val]GVMVTASHNP

ClinVar aggregate classification (germline): Uncertain significance. Review status: criteria provided, multiple submitters, no conflicts (2 of 4 stars). 3 submissions from 3 submitters: Uncertain significance (3). Last evaluated 2025-08-26.

Conditions:
Inborn genetic diseases. Identifiers: MedGen C0950123, MeSH D030342.
Immunodeficiency 23 (IMD23). Also called: IMMUNODEFICIENCY WITH HYPER IgE AND COGNITIVE IMPAIRMENT; IMMUNODEFICIENCY-VASCULITIS-MYOCLONUS SYNDROME. Identifiers: Orphanet 443811, MedGen C4014371, MONDO:0014353, OMIM 615816.

Allele frequency attached by ClinVar (database versions not stated): gnomAD 0.00003; gnomAD exomes 0.00004 and 0.00008; TOPMed 0.00004; ExAC 0.00006.
gnomAD v4.1: 64 of 1,613,928 alleles (0.004%); highest among the groups gnomAD compares: East Asian, 0.065%; no homozygotes.

Submissions (3):

Ambry Genetics
Classification: Uncertain significance for Inborn genetic diseases. Last evaluated: 2025-08-26. Review status: criteria provided, single submitter. Criteria: Ambry Variant Classification Scheme 2023. Collection method: clinical testing. Allele origin: germline.

Labcorp Genetics (formerly Invitae), Labcorp
Classification: Uncertain significance for Immunodeficiency 23. Last evaluated: 2021-08-27. Review status: criteria provided, single submitter. Criteria: Invitae Variant Classification Sherloc (09022015). Collection method: clinical testing. Allele origin: germline.
Comment: This sequence change replaces isoleucine with valine at codon 85 of the PGM3 protein (p.Ile85Val). The isoleucine residue is highly conserved and there is a small physicochemical difference between isoleucine and valine. This variant is present in population databases (rs778562800, ExAC 0.07%). This variant has not been reported in the literature in individuals affected with PGM3-related conditions. Algorithms developed to predict the effect of missense changes on protein structure and function are either unavailable or do not agree on the potential impact of this missense change (SIFT: "Tolerated"; PolyPhen-2: "Possibly Damaging"; Align-GVGD: "Class C0"). In summary, the available evidence is currently insufficient to determine the role of this variant in disease. Therefore, it has been classified as a Variant of Uncertain Significance.

Juno Genomics, Hangzhou Juno Genomics, Inc
Classification: Uncertain significance for Immunodeficiency 23. Review status: criteria provided, single submitter. Criteria: ACMG Guidelines, 2015. Collection method: clinical testing. Allele origin: germline. Affected: yes.
Comment: Absent from controls (or at extremely low frequency if recessive) in Genome Aggregation Database, Exome Sequencing Project, 1000 Genomes Project, or Exome Aggregation Consortium.;Patient's phenotype or family history is highly specific for a disease with a single genetic etiology.